The following is an entry in ClinVar:

NM_001142800.2(EYS):c.5383A>G (p.Thr1795Ala)

Gene: EYS (eyes shut homolog; minus strand). Cytogenetic location: 6q12.
Variant type: single nucleotide variant.
Coding change: c.5383A>G on transcript NM_001142800.2 (MANE Select); coding-DNA position 5383, A replaced by G.
Protein change: p.Thr1795Ala; replaces threonine 1795 with alanine.
Molecular consequence: missense variant.
Genome position (GRCh38, 1-based): chr6:64,590,484, T>C on the plus strand (A>G on the coding strand, the complement: EYS is on the minus strand). VCF-style: chr6-64590484-T-C. GRCh37 (hg19) VCF-style: chr6-65300377-T-C.
Other names: c.5383A>G, p.Thr1795Ala (NM_001292009.2); short protein forms T1795A.
Identifiers: ClinVar variation 1931558 (VCV001931558.2), dbSNP rs938563720, ClinGen allele CA140340878.

ClinVar aggregate classification (germline): Uncertain significance (1 of 4 stars; one submission).

Allele frequency attached by ClinVar (database versions not stated): TOPMed below 0.00001; gnomAD exomes 0.00001.
gnomAD v4.1: 10 of 1,551,434 alleles (0.00064%); highest among the groups gnomAD compares: South Asian, 0.0071%; no homozygotes.

Submission:

Labcorp Genetics (formerly Invitae), Labcorp
Classification: Uncertain significance. Last evaluated: 2021-09-17. Review status: criteria provided, single submitter. Criteria: Invitae Variant Classification Sherloc (09022015). Collection method: clinical testing. Allele origin: germline.
Comment: This sequence change replaces threonine with alanine at codon 1795 of the EYS protein (p.Thr1795Ala). The threonine residue is moderately conserved and there is a small physicochemical difference between threonine and alanine. This variant is not present in population databases (ExAC no frequency). This variant has not been reported in the literature in individuals with EYS-related conditions. Algorithms developed to predict the effect of missense changes on protein structure and function output the following: SIFT: "Tolerated"; PolyPhen-2: "Benign"; Align-GVGD: "Class C0". The alanine amino acid residue is found in multiple mammalian species, suggesting that this missense change does not adversely affect protein function. These predictions have not been confirmed by published functional studies and their clinical significance is uncertain. In summary, the available evidence is currently insufficient to determine the role of this variant in disease. Therefore, it has been classified as a Variant of Uncertain Significance.